The following is an entry in ClinVar:

NM_144997.7(FLCN):c.251G>A (p.Gly84Asp)

Gene: FLCN (folliculin; minus strand). Cytogenetic location: 17p11.2.
Variant type: single nucleotide variant.
Coding change: c.251G>A on transcript NM_144997.7 (MANE Select); coding-DNA position 251, G replaced by A.
Protein change: p.Gly84Asp; replaces glycine 84 with aspartic acid.
Molecular consequence: missense variant.
Genome position (GRCh38, 1-based): chr17:17,226,321, C>T on the plus strand (G>A on the coding strand, the complement: FLCN is on the minus strand). VCF-style: chr17-17226321-C-T. GRCh37 (hg19) VCF-style: chr17-17129635-C-T.
Other names: c.251G>A, p.Gly84Asp (NM_001353229.2, NM_001353230.2, NM_001353231.2 and 1 more transcripts); short protein forms G84D.
Identifiers: ClinVar variation 4025307 (VCV004025307.1).
Genomic context (GRCh38, chr17:17,226,321, plus strand): 5'-ATGGAGGTCTCTTTATCATGGCTGATATATCCCGGGTGCCCTGCAGCAAGTGACCGGCAG[C>T]CCTGTCCATGAAAAGGAAAAGTAAATCTGTTAGTTGGGAAGCAGGGCGACAAACTCTCTT-3'
Protein context (NP_659434.2, residues 74-94): PGPKKSDMCE[Gly84Asp]CRSLAAGHPG

ClinVar aggregate classification (germline): Uncertain significance (1 of 4 stars; one submission).

Conditions:
Hereditary cancer-predisposing syndrome. Also called: Tumor predisposition; Hereditary neoplastic syndrome; Neoplastic Syndromes, Hereditary; Hereditary Cancer Syndrome. Identifiers: Orphanet 140162, MedGen C0027672, MeSH D009386, MONDO:0015356.

Submission:

Ambry Genetics
Classification: Uncertain significance for Hereditary cancer-predisposing syndrome. Last evaluated: 2025-04-04. Review status: criteria provided, single submitter. Criteria: Ambry Variant Classification Scheme 2023. Collection method: clinical testing. Allele origin: germline.
Comment: The p.G84D variant (also known as c.251G>A), located in coding exon 2 of the FLCN gene, results from a G to A substitution at nucleotide position 251. The glycine at codon 84 is replaced by aspartic acid, an amino acid with similar properties. This amino acid position is conserved. In addition, this alteration is predicted to be deleterious by in silico analysis. Based on the available evidence, the clinical significance of this variant remains unclear.